The following is an entry in ClinVar:

NM_000388.4(CASR):c.1999TTC[1] (p.Phe668del)

Gene: CASR (calcium sensing receptor; plus strand). Cytogenetic location: 3q21.1.
Variant type: Microsatellite.
Coding change: c.1999TTC[1] on transcript NM_000388.4 (MANE Select); one copy of the 3-base unit TTC starting at c.1999; the reference has two copies in a row; one copy, 3 bases deleted.
Protein change: p.Phe668del; deletes phenylalanine 668.
Molecular consequence: inframe deletion.
Genome position (GRCh38, 1-based): chr3:122,283,956-122,283,958, TTC deleted; deleting any 3 consecutive bases within chr3:122,283,953-122,283,958 gives the same sequence; the position shown is the placement nearest the transcript's 3' end. VCF-style (leftmost placement, unchanged base first): chr3-122283952-GTTC-G. GRCh37 (hg19) VCF-style: chr3-122002799-GTTC-G.
Other names: c.2029TTC[1], p.Phe678del (NM_001178065.2); short protein forms F668del, F678del.
Identifiers: ClinVar variation 954724 (VCV000954724.10), dbSNP rs2074927295, ClinGen allele CA1397871333.

ClinVar aggregate classification (germline): Uncertain significance (1 of 4 stars; one submission).

Conditions:
Autosomal dominant hypocalcemia 1 (HYPOC1). Also called: HYPOCALCEMIA, FAMILIAL. Identifiers: MedGen C3715128, MONDO:0011013, OMIM 601198.
Familial hypocalciuric hypercalcemia (FHH). Also called: Familial benign hypercalcemia. Identifiers: Orphanet 405, MedGen C1809471, MONDO:0018458.

Submission:

Labcorp Genetics (formerly Invitae), Labcorp
Classification: Uncertain significance for Familial hypocalciuric hypercalcemia; Autosomal dominant hypocalcemia 1. Last evaluated: 2019-07-09. Review status: criteria provided, single submitter. Criteria: Invitae Variant Classification Sherloc (09022015). Collection method: clinical testing. Allele origin: germline.
Comment: In summary, the available evidence is currently insufficient to determine the role of this variant in disease. Therefore, it has been classified as a Variant of Uncertain Significance. Experimental studies and prediction algorithms are not available or were not evaluated for this variant, and the functional significance of the affected amino acid(s) is currently unknown. This variant has not been reported in the literature in individuals with CASR-related conditions. This variant is not present in population databases (ExAC no frequency). This variant, c.2002_2004del, results in the deletion of 1 amino acid(s) of the CASR protein (p.Phe668del), but otherwise preserves the integrity of the reading frame.